The following is an entry in ClinVar:

NM_002246.3(KCNK3):c.20G>T (p.Arg7Leu)

Gene: KCNK3 (potassium two pore domain channel subfamily K member 3; plus strand). Cytogenetic location: 2p23.3.
Variant type: single nucleotide variant.
Coding change: c.20G>T on transcript NM_002246.3 (MANE Select); coding-DNA position 20, G replaced by T.
Protein change: p.Arg7Leu; replaces arginine 7 with leucine.
Molecular consequence: missense variant.
Genome position (GRCh38, 1-based): chr2:26,692,895, G>T. VCF-style: chr2-26692895-G-T. GRCh37 (hg19) VCF-style: chr2-26915763-G-T.
Other names: short protein forms R7L.
Identifiers: ClinVar variation 3384300 (VCV003384300.1).

ClinVar aggregate classification (germline): Uncertain significance (1 of 4 stars; one submission).

Submission:

GeneDx
Classification: Uncertain significance. Last evaluated: 2024-06-07. Review status: criteria provided, single submitter. Criteria: GeneDx Variant Classification Process June 2021. Collection method: clinical testing. Allele origin: germline. Affected: yes.
Comment: Not observed at significant frequency in large population cohorts (gnomAD); In silico analysis supports that this missense variant has a deleterious effect on protein structure/function; Has not been previously published as pathogenic or benign to our knowledge